The following is an entry in ClinVar:

NM_001330360.2(POLA1):c.3098G>A (p.Ser1033Asn)

Gene: POLA1 (DNA polymerase alpha 1, catalytic subunit; plus strand). Cytogenetic location: Xp22.11.
Variant type: single nucleotide variant.
Coding change: c.3098G>A on transcript NM_001330360.2 (MANE Select); coding-DNA position 3098, G replaced by A.
Protein change: p.Ser1033Asn; replaces serine 1033 with asparagine.
Molecular consequence: missense variant. On other transcripts: non-coding transcript variant (2).
Genome position (GRCh38, 1-based): chrX:24,812,665, G>A. VCF-style: chrX-24812665-G-A. GRCh37 (hg19) VCF-style: chrX-24830782-G-A.
Other names: c.3023G>A, p.Ser1008Asn (NM_001378303.1); c.3080G>A, p.Ser1027Asn (NM_016937.4); short protein forms S1008N, S1027N, S1033N.
Identifiers: ClinVar variation 2799516 (VCV002799516.3), dbSNP rs2518668361, ClinGen allele CA412525172.

ClinVar aggregate classification (germline): Uncertain significance (1 of 4 stars; one submission).

Submission:

Labcorp Genetics (formerly Invitae), Labcorp
Classification: Uncertain significance. Last evaluated: 2023-05-09. Review status: criteria provided, single submitter. Criteria: Invitae Variant Classification Sherloc (09022015). Collection method: clinical testing. Allele origin: germline.
Comment: In summary, the available evidence is currently insufficient to determine the role of this variant in disease. Therefore, it has been classified as a Variant of Uncertain Significance. Advanced modeling of protein sequence and biophysical properties (such as structural, functional, and spatial information, amino acid conservation, physicochemical variation, residue mobility, and thermodynamic stability) performed at Invitae indicates that this missense variant is not expected to disrupt POLA1 protein function. This variant has not been reported in the literature in individuals affected with POLA1-related conditions. This variant is not present in population databases (gnomAD no frequency). This sequence change replaces serine, which is neutral and polar, with asparagine, which is neutral and polar, at codon 1027 of the POLA1 protein (p.Ser1027Asn).